The following is an entry in ClinVar:

NM_006015.6(ARID1A):c.6638C>G (p.Ala2213Gly)

Gene: ARID1A (AT-rich interaction domain 1A; plus strand). Cytogenetic location: 1p36.11.
Variant type: single nucleotide variant.
Coding change: c.6638C>G on transcript NM_006015.6 (MANE Select); coding-DNA position 6638, C replaced by G.
Protein change: p.Ala2213Gly; replaces alanine 2213 with glycine.
Molecular consequence: missense variant.
Genome position (GRCh38, 1-based): chr1:26,780,536, C>G. VCF-style: chr1-26780536-C-G. GRCh37 (hg19) VCF-style: chr1-27107027-C-G.
Other names: c.5987C>G, p.Ala1996Gly (NM_139135.4); short protein forms A1996G, A2213G.
Identifiers: ClinVar variation 3384785 (VCV003384785.1).

ClinVar aggregate classification (germline): Uncertain significance (1 of 4 stars; one submission).

Submission:

Women's Health and Genetics/Laboratory Corporation of America, LabCorp
Classification: Uncertain significance. Last evaluated: 2024-10-10. Review status: criteria provided, single submitter. Criteria: LabCorp Variant Classification Summary - May 2015. Collection method: clinical testing. Allele origin: germline.
Comment: Variant summary: ARID1A c.6638C>G (p.Ala2213Gly) results in a non-conservative amino acid change located in the SWI/SNF-like complex subunit BAF250, C-terminal domain (IPR033388) of the encoded protein sequence. Three of five in-silico tools predict a benign effect of the variant on protein function. The variant was absent in 251246 control chromosomes. The available data on variant occurrences in the general population are insufficient to allow any conclusion about variant significance. To our knowledge, no occurrence of c.6638C>G in individuals affected with Mental Retardation, Autosomal Dominant 14 and no experimental evidence demonstrating its impact on protein function have been reported. No submitters have cited clinical-significance assessments for this variant to ClinVar. Based on the evidence outlined above, the variant was classified as uncertain significance.